The following is an entry in ClinVar:

NM_152703.5(SAMD9L):c.4508C>T (p.Thr1503Ile)

Gene: SAMD9L (sterile alpha motif domain containing 9 like; minus strand). Cytogenetic location: 7q21.2.
Variant type: single nucleotide variant.
Coding change: c.4508C>T on transcript NM_152703.5 (MANE Select); coding-DNA position 4508, C replaced by T.
Protein change: p.Thr1503Ile; replaces threonine 1503 with isoleucine.
Molecular consequence: missense variant.
Genome position (GRCh38, 1-based): chr7:93,131,464, G>A on the plus strand (C>T on the coding strand, the complement: SAMD9L is on the minus strand). VCF-style: chr7-93131464-G-A. GRCh37 (hg19) VCF-style: chr7-92760777-G-A.
Other names: c.4508C>T (NM_152703.2); c.4508C>T, p.Thr1503Ile (NM_001303496.3, NM_001303497.3, NM_001303498.3 and 5 more transcripts); short protein forms T1503I.
Identifiers: ClinVar variation 1327575 (VCV001327575.12), dbSNP rs372802865, ClinGen allele CA4343291.

ClinVar aggregate classification (germline): Conflicting classifications of pathogenicity. Review status: criteria provided, conflicting classifications (1 of 4 stars). 4 submissions from 4 submitters: Uncertain significance (3); Likely benign (1). Last evaluated 2025-11-10.

Conditions:
Inborn genetic diseases. Identifiers: MedGen C0950123, MeSH D030342.
Ataxia-pancytopenia syndrome (ATXPC). Also called: SAMD9L-Related Syndrome; SAMD9L Ataxia-Pancytopenia Syndrome. Identifiers: Orphanet 2585, MedGen C1327919, MONDO:0008038, OMIM 159550.

Allele frequency attached by ClinVar (database versions not stated): gnomAD 0.00007 and 0.00008; TOPMed 0.00007; ESP Exome Variant Server 0.00023; ExAC 0.00003; gnomAD exomes 0.00003 and 0.00005.

Submissions (4):

Labcorp Genetics (formerly Invitae), Labcorp
Classification: Uncertain significance. Last evaluated: 2025-11-10. Review status: criteria provided, single submitter. Criteria: Invitae Variant Classification Sherloc (09022015). Collection method: clinical testing. Allele origin: germline.
Comment: This sequence change replaces threonine, which is neutral and polar, with isoleucine, which is neutral and non-polar, at codon 1503 of the SAMD9L protein (p.Thr1503Ile). This variant is present in population databases (rs372802865, gnomAD 0.007%). This variant has not been reported in the literature in individuals affected with SAMD9L-related conditions. ClinVar contains an entry for this variant (Variation ID: 1327575). An algorithm developed to predict the effect of missense changes on protein structure and function outputs the following: PolyPhen-2: "Not Available". The isoleucine amino acid residue is found in multiple mammalian species, which suggests that this missense change does not adversely affect protein function. In summary, the available evidence is currently insufficient to determine the role of this variant in disease. Therefore, it has been classified as a Variant of Uncertain Significance.

Ambry Genetics
Classification: Likely benign for Inborn genetic diseases. Last evaluated: 2025-06-03. Review status: criteria provided, single submitter. Criteria: Ambry Variant Classification Scheme 2023. Collection method: clinical testing. Allele origin: germline.

GeneDx
Classification: Uncertain significance. Last evaluated: 2024-02-09. Review status: criteria provided, single submitter. Criteria: GeneDx Variant Classification Process June 2021. Collection method: clinical testing. Allele origin: germline. Affected: yes.
Comment: In silico analysis supports that this missense variant does not alter protein structure/function; Has not been previously published as pathogenic or benign to our knowledge

St. Jude Molecular Pathology, St. Jude Children's Research Hospital
Classification: Uncertain significance for Ataxia-pancytopenia syndrome. Last evaluated: 2021-12-08. Review status: criteria provided, single submitter. Criteria: St. Jude Assertion Criteria 2020. Collection method: clinical testing. Allele origin: germline.
Comment: The SAMD9L c.4508C>T (p.Thr1503Ile) missense change has a maximum subpopulation frequency of 0.012% in gnomAD v2.1.1. Seven of seven in silico tools predict a benign effect of this variant on protein function (BP4), but to our knowledge these predictions have not been confirmed by functional assays. To our knowledge, this variant has not been reported in individuals with SAMD9L-associated conditions. In summary, this variant meets criteria to be classified as of uncertain significance based on the ACMG/AMP criteria: BP4.